The following is an entry in ClinVar:

ClinVar aggregate classification (germline): Uncertain significance. Review status: criteria provided, multiple submitters, no conflicts (2 of 4 stars). 2 submissions from 2 submitters: Uncertain significance (2). Last evaluated 2025-08-02.

Allele frequency attached by ClinVar (database versions not stated): TOPMed below 0.00001; gnomAD 0.00001; gnomAD exomes 0.00001 and 0.00003; ExAC 0.00005.
gnomAD v4.1: 21 of 1,612,386 alleles (0.0013%); highest among the groups gnomAD compares: Admixed American, 0.0017%; no homozygotes.

Submissions (2):

GeneDx
Classification: Uncertain significance. Last evaluated: 2025-08-02. Review status: criteria provided, single submitter. Criteria: GeneDx Variant Classification Process June 2021. Collection method: clinical testing. Allele origin: germline.
Comment: Intronic +5 splice site variant in a gene for which loss of function is a known mechanism of disease, and both splice predictors and evolutionary conservation support a deleterious effect, although in the absence of functional evidence the actual effect of this sequence change is unknown.; Not observed at significant frequency in large population cohorts (gnomAD); Has not been previously published as pathogenic or benign to our knowledge

Labcorp Genetics (formerly Invitae), Labcorp
Classification: Uncertain significance. Last evaluated: 2022-02-24. Review status: criteria provided, single submitter. Criteria: Invitae Variant Classification Sherloc (09022015). Collection method: clinical testing. Allele origin: germline.
Comment: This sequence change falls in intron 46 of the OTOGL gene. It does not directly change the encoded amino acid sequence of the OTOGL protein. It affects a nucleotide within the consensus splice site. This variant is present in population databases (rs769745282, gnomAD 0.006%). This variant has not been reported in the literature in individuals affected with OTOGL-related conditions. Variants that disrupt the consensus splice site are a relatively common cause of aberrant splicing (PMID: 17576681, 9536098). Algorithms developed to predict the effect of sequence changes on RNA splicing suggest that this variant may disrupt the consensus splice site. In summary, the available evidence is currently insufficient to determine the role of this variant in disease. Therefore, it has been classified as a Variant of Uncertain Significance.

Literature cited by the submitters: PubMed 17576681 (cited by Labcorp Genetics (formerly Invitae), Labcorp); PubMed 9536098 (cited by Labcorp Genetics (formerly Invitae), Labcorp).

NM_001378609.3(OTOGL):c.5806+5G>A

Gene: OTOGL (otogelin like; plus strand). Cytogenetic location: 12q21.31.
Variant type: single nucleotide variant.
Coding change: c.5806+5G>A on transcript NM_001378609.3 (MANE Select); 5 bases into the intron after coding-DNA position 5806, G replaced by A.
Molecular consequence: intron variant.
Genome position (GRCh38, 1-based): chr12:80,355,953, G>A. VCF-style: chr12-80355953-G-A. GRCh37 (hg19) VCF-style: chr12-80749733-G-A.
Other names: c.5671+5G>A (NM_001368062.3); c.5806+5G>A (NM_001378610.3, NM_173591.7).
Identifiers: ClinVar variation 1462050 (VCV001462050.5), dbSNP rs769745282, ClinGen allele CA6701807.